The following is an entry in ClinVar:

ClinVar aggregate classification (germline): Benign. Review status: criteria provided, multiple submitters, no conflicts (2 of 4 stars). 2 submissions from 2 submitters: Benign (2). Last evaluated 2018-07-13.

Allele frequency attached by ClinVar (database versions not stated): ESP Exome Variant Server 0.18854; gnomAD exomes 0.24373 and 0.25411; gnomAD 0.24485 and 0.24559; ExAC 0.24673; TOPMed 0.25624; 1000 Genomes Project 30x 0.25953; 1000 Genomes Project 0.25958.
gnomAD v4.1: 112,516 of 461,234 alleles (24%); highest among the groups gnomAD compares: Admixed American, 41%; 14,679 homozygotes.

Submissions (2):

GeneDx
Classification: Benign. Last evaluated: 2018-07-13. Review status: criteria provided, single submitter. Criteria: GeneDx Variant Classification Process June 2021. Collection method: clinical testing. Allele origin: germline. Affected: yes.
Comment: This variant is associated with the following publications: (PMID: 25683625)

Breakthrough Genomics
Classification: Benign. Review status: criteria provided, single submitter. Criteria: ACMG Guidelines, 2015. Collection method: not provided. Allele origin: germline. Inheritance: Autosomal dominant inheritance. Affected: yes.

NR_030336.1(MIR605):n.74T>C

Genes: MIR605 (microRNA 605; plus strand), PRKG1 (protein kinase cGMP-dependent 1; plus strand). Cytogenetic location: 10q21.1.
Variant type: single nucleotide variant.
Molecular consequence: intron variant (on NM_006258.4). On other transcripts: non-coding transcript variant (1).
Genome position: GRCh38 VCF-style: chr10-51299646-T-C. GRCh37 (hg19) VCF-style: chr10-53059406-T-C.
Other names: c.433+146316T>C (NM_001098512.3); c.478+146316T>C (NM_006258.4, NM_001374782.1).
Identifiers: ClinVar variation 1232610 (VCV001232610.4), dbSNP rs2043556, ClinGen allele CA5503151.